The following is an entry in ClinVar:

NM_001378477.3(NYX):c.155C>T (p.Pro52Leu)

Gene: NYX (nyctalopin; plus strand). Cytogenetic location: Xp11.4.
Variant type: single nucleotide variant.
Coding change: c.155C>T on transcript NM_001378477.3 (MANE Select); coding-DNA position 155, C replaced by T.
Protein change: p.Pro52Leu; replaces proline 52 with leucine.
Molecular consequence: missense variant.
Genome position (GRCh38, 1-based): chrX:41,473,623, C>T. VCF-style: chrX-41473623-C-T. GRCh37 (hg19) VCF-style: chrX-41332876-C-T.
Other names: c.155C>T, p.Pro52Leu (NM_022567.3); short protein forms P52L.
Identifiers: ClinVar variation 2048276 (VCV002048276.4), dbSNP rs2519606624, ClinGen allele CA412989518.

ClinVar aggregate classification (germline): Uncertain significance (1 of 4 stars; one submission).

Submission:

Labcorp Genetics (formerly Invitae), Labcorp
Classification: Uncertain significance. Last evaluated: 2022-09-23. Review status: criteria provided, single submitter. Criteria: Invitae Variant Classification Sherloc (09022015). Collection method: clinical testing. Allele origin: germline.
Comment: This sequence change replaces proline, which is neutral and non-polar, with leucine, which is neutral and non-polar, at codon 57 of the NYX protein (p.Pro57Leu). The frequency data for this variant in the population databases is considered unreliable, as metrics indicate insufficient coverage at this position in the gnomAD database. This missense change has been observed in individual(s) with congenital stationary night blindness (Invitae). Advanced modeling of protein sequence and biophysical properties (such as structural, functional, and spatial information, amino acid conservation, physicochemical variation, residue mobility, and thermodynamic stability) performed at Invitae indicates that this missense variant is not expected to disrupt NYX protein function. This variant disrupts the p.Pro57 amino acid residue in NYX. Other variant(s) that disrupt this residue have been observed in individuals with NYX-related conditions (PMID: 15761389; Invitae), which suggests that this may be a clinically significant amino acid residue. In summary, the available evidence is currently insufficient to determine the role of this variant in disease. Therefore, it has been classified as a Variant of Uncertain Significance.

Literature cited by the submitters: PubMed 15761389.